The following is an entry in ClinVar:

ClinVar aggregate classification (germline): Likely benign. Review status: criteria provided, multiple submitters, no conflicts (2 of 4 stars). 2 submissions from 2 submitters: Likely benign (2). Last evaluated 2023-05-16.

Conditions:
Cardiomyopathy (CMYO). Also called: Cardiomyopathies. Identifiers: Orphanet 167848, MedGen C0878544, MONDO:0004994, HP:0001638. Inheritance: Various modes of inheritance.
Familial isolated arrhythmogenic right ventricular dysplasia. Identifiers: Orphanet 217656, MedGen C4274968, MONDO:0016342.

Allele frequency attached by ClinVar (database versions not stated): TOPMed below 0.00001; gnomAD 0.00001; gnomAD exomes 0.00001.
gnomAD v4.1: 9 of 1,613,872 alleles (0.00056%); highest among the groups gnomAD compares: Non-Finnish European, 0.00076%; no homozygotes.

Submissions (2):

All of Us Research Program, National Institutes of Health
Classification: Likely benign for Familial isolated arrhythmogenic right ventricular dysplasia. Last evaluated: 2023-05-16. Review status: criteria provided, single submitter. Criteria: ACMG Guidelines, 2015. Collection method: clinical testing. Allele origin: germline. Inheritance: Autosomal dominant inheritance. Observed: 2 variant alleles, 2 heterozygotes.
Comment: This study involves interpretation of variants in research participants for the purpose of population health screening. Participant phenotype was not available at the time of variant classification. Additional details can be found in publication PMID: 35346344, PMCID: PMC8962531

Color Diagnostics, LLC DBA Color Health
Classification: Likely benign for Cardiomyopathy. Last evaluated: 2022-09-16. Review status: criteria provided, single submitter. Criteria: ACMG Guidelines, 2015. Collection method: clinical testing. Allele origin: germline.

NM_024422.6(DSC2):c.1635T>C (p.Tyr545=)

Gene: DSC2 (desmocollin 2; minus strand). Cytogenetic location: 18q12.1.
Variant type: single nucleotide variant.
Coding change: c.1635T>C on transcript NM_024422.6 (MANE Select); coding-DNA position 1635, T replaced by C.
Protein change: p.Tyr545=; no amino-acid change (tyrosine 545 retained).
Molecular consequence: synonymous variant.
Genome position (GRCh38, 1-based): chr18:31,079,875, A>G on the plus strand (T>C on the coding strand, the complement: DSC2 is on the minus strand). VCF-style: chr18-31079875-A-G. GRCh37 (hg19) VCF-style: chr18-28659841-A-G.
Other names: c.1206T>C, p.Tyr402= (NM_001406506.1, NM_001406507.1); c.1635T>C, p.Tyr545= (NM_004949.5).
Identifiers: ClinVar variation 2775179 (VCV002775179.3), dbSNP rs1432185135, ClinGen allele CA503527270.